The following is an entry in ClinVar:

NM_181503.3(EXOSC8):c.118+7A>T

Gene: EXOSC8 (exosome component 8; plus strand). Cytogenetic location: 13q13.3.
Variant type: single nucleotide variant.
Coding change: c.118+7A>T on transcript NM_181503.3 (MANE Select); 7 bases into the intron after coding-DNA position 118, A replaced by T.
Molecular consequence: intron variant.
Genome position (GRCh38, 1-based): chr13:37,002,558, A>T. VCF-style: chr13-37002558-A-T. GRCh37 (hg19) VCF-style: chr13-37576695-A-T.
Identifiers: ClinVar variation 785445 (VCV000785445.36), dbSNP rs140557324, ClinGen allele CA6951099.
Genomic context (GRCh38, chr13:37,002,558, plus strand): 5'-GCCGTCCTGATGGAAGAGAACTTGGTGAATTCAGAACCACAACTGTCAACATCGGTAAGG[A>T]TGTATTTTCCACTTTCAACTGTATGATATTCCCAAGTTTTAGTCTATGAACCAGCCAAAC-3'

ClinVar aggregate classification (germline): Benign/Likely benign. Review status: criteria provided, multiple submitters, no conflicts (2 of 4 stars). 3 submissions from 3 submitters: Benign (2); Likely benign (1). Last evaluated 2026-01-10.

Allele frequency attached by ClinVar (database versions not stated): gnomAD exomes 0.00028 and 0.00069; ExAC 0.00094; gnomAD 0.00319 and 0.00336; 1000 Genomes Project 30x 0.00328; TOPMed 0.00337; 1000 Genomes Project 0.00359; ESP Exome Variant Server 0.00392.
gnomAD v4.1: 903 of 1,577,164 alleles (0.057%); highest among the groups gnomAD compares: African/African-American, 1.1%; 6 homozygotes.

Submissions (3):

Labcorp Genetics (formerly Invitae), Labcorp
Classification: Benign. Last evaluated: 2026-01-10. Review status: criteria provided, single submitter. Criteria: Invitae Variant Classification Sherloc (09022015). Collection method: clinical testing. Allele origin: germline.

Blueprint Genetics
Classification: Likely benign. Last evaluated: 2024-10-18. Review status: criteria provided, single submitter. Criteria: ACMG Guidelines, 2015. Collection method: clinical testing. Allele origin: germline.

CeGaT Center for Human Genetics Tuebingen
Classification: Benign. Last evaluated: 2023-04-01. Review status: criteria provided, single submitter. Criteria: CeGaT Center For Human Genetics Tuebingen Variant Classification Criteria Version 2. Collection method: clinical testing. Allele origin: germline. Affected: yes. Observed: 1 variant allele.
Comment: EXOSC8: BP4, BS1, BS2